The following is an entry in ClinVar:

ClinVar aggregate classification (germline): Pathogenic. Review status: criteria provided, multiple submitters, no conflicts (2 of 4 stars). 3 submissions from 3 submitters: Pathogenic (3). Last evaluated 2024-12-05.

Conditions:
Hereditary cancer-predisposing syndrome. Also called: Neoplastic Syndromes, Hereditary; Tumor predisposition; Hereditary neoplastic syndrome; Hereditary Cancer Syndrome. Identifiers: Orphanet 140162, MedGen C0027672, MeSH D009386, MONDO:0015356.
Hereditary nonpolyposis colorectal neoplasms. Identifiers: MedGen C0009405, MeSH D003123.

Submissions (3):

Ambry Genetics
Classification: Pathogenic for Hereditary cancer-predisposing syndrome. Last evaluated: 2024-12-05. Review status: criteria provided, single submitter. Criteria: Ambry Variant Classification Scheme 2023. Collection method: clinical testing. Allele origin: germline.
Comment: The c.776dupG pathogenic mutation, located in coding exon 4 of the MSH6 gene, results from a duplication of G at nucleotide position 776, causing a translational frameshift with a predicted alternate stop codon (p.G260Wfs*3). This variant is considered to be rare based on population cohorts in the Genome Aggregation Database (gnomAD). This alteration is expected to result in loss of function by premature protein truncation or nonsense-mediated mRNA decay. As such, this alteration is interpreted as a disease-causing mutation.

Labcorp Genetics (formerly Invitae), Labcorp
Classification: Pathogenic for Hereditary nonpolyposis colorectal neoplasms. Last evaluated: 2024-11-12. Review status: criteria provided, single submitter. Criteria: Invitae Variant Classification Sherloc (09022015). Collection method: clinical testing. Allele origin: germline.
Comment: This sequence change creates a premature translational stop signal (p.Gly260Trpfs*3) in the MSH6 gene. It is expected to result in an absent or disrupted protein product. Loss-of-function variants in MSH6 are known to be pathogenic (PMID: 18269114, 24362816). This variant is not present in population databases (gnomAD no frequency). This variant has not been reported in the literature in individuals affected with MSH6-related conditions. ClinVar contains an entry for this variant (Variation ID: 628374). For these reasons, this variant has been classified as Pathogenic.

Color Diagnostics, LLC DBA Color Health
Classification: Pathogenic for Hereditary cancer-predisposing syndrome. Last evaluated: 2020-02-05. Review status: criteria provided, single submitter. Criteria: ACMG Guidelines, 2015. Collection method: clinical testing. Allele origin: germline.
Comment: This variant inserts 1 nucleotide in exon 4 of the MSH6 gene, creating a frameshift and premature translation stop signal. This variant is expected to result in an absent or non-functional protein product. Splice site prediction tools suggest that this variant may not impact RNA splicing. To our knowledge, functional studies have not been performed for this variant. This variant has not been reported in individuals affected with hereditary cancer in the literature. This variant has not been identified in the general population by the Genome Aggregation Database (gnomAD). Loss of MSH6 function is a known mechanism of disease. Based on the available evidence, this variant is classified as Pathogenic.

Literature cited by the submitters: PubMed 18269114 (cited by Labcorp Genetics (formerly Invitae), Labcorp); PubMed 24362816 (cited by Labcorp Genetics (formerly Invitae), Labcorp).

NM_000179.3(MSH6):c.776dup (p.Gly260fs)

Gene: MSH6 (mutS homolog 6; plus strand). Cytogenetic location: 2p16.3.
Variant type: Duplication.
Coding change: c.776dup on transcript NM_000179.3 (MANE Select); coding-DNA position 776, one base duplicated (G; older notation c.776dupG).
Protein change: p.Gly260fs; shifts the reading frame from glycine 260.
Molecular consequence: frameshift variant. On other transcripts: 5 prime UTR variant (2).
Genome position (GRCh38, 1-based): chr2:47,798,759, G duplicated; the last of 2 consecutive G bases (chr2:47,798,758-47,798,759); duplicating either gives the same sequence. VCF-style (leftmost placement, unchanged base first): chr2-47798757-T-TG. GRCh37 (hg19) VCF-style: chr2-48025896-T-TG.
Other names: c.386dup, p.Gly130fs (NM_001281492.2); c.-131dup (NM_001281493.2, NM_001281494.2); c.776dupG (NM_000179.2); short protein forms G130fs, G260fs.
Identifiers: ClinVar variation 628374 (VCV000628374.9), dbSNP rs1558659265, ClinGen allele CA913187938.